The following is an entry in ClinVar:

ClinVar aggregate classification (germline): Pathogenic (0 of 4 stars; one submission).

Conditions:
Polycystic kidney disease. Also called: Polycystic kidney dysplasia; Kidney, Polycystic. Identifiers: MedGen C0022680, MeSH D007690, MONDO:0020642, HP:0000113.

Submission:

Department of Pathology and Laboratory Medicine, Sinai Health System
Classification: Pathogenic for Polycystic Kidney disease. Review status: no assertion criteria provided. Collection method: clinical testing. Allele origin: unknown. Affected: yes. Study: The Canadian Open Genetics Repository (COGR).
Comment: The PKD1 p.Ser843X variant was not identified in the literature nor was it identified in the dbSNP, ClinVar, LOVD 3.0, ADPKD Mutation Database, PKD1-LOVD, databases. The variant was not identified in the 1000 Genomes Project, the NHLBI GO Exome Sequencing Project or the Exome Aggregation Consortium (August 8th 2016) control databases. The p.Ser843X variant leads to a premature stop codon at position 843, which is predicted to lead to a truncated or absent protein and loss of function. Loss of function variants of the PKD1 gene are an established mechanism of disease in ADPKD and is the type of variant expected to cause the disorder. In summary, based on the above information this variant meets our laboratoryâ€šÃ„Ã´s criteria to be classified as pathogenic.

NM_001009944.3(PKD1):c.2528C>G (p.Ser843Ter)

Gene: PKD1 (polycystin 1, transient receptor potential channel interacting; minus strand). Cytogenetic location: 16p13.3.
Variant type: single nucleotide variant.
Coding change: c.2528C>G on transcript NM_001009944.3 (MANE Select); coding-DNA position 2528, C replaced by G.
Protein change: p.Ser843Ter; replaces serine 843 with a stop codon.
Molecular consequence: nonsense.
Genome position (GRCh38, 1-based): chr16:2,114,495, G>C on the plus strand (C>G on the coding strand, the complement: PKD1 is on the minus strand). VCF-style: chr16-2114495-G-C. GRCh37 (hg19) VCF-style: chr16-2164496-G-C.
Other names: c.2528C>G, p.Ser843Ter (NM_000296.4); short protein forms S843*.
Identifiers: ClinVar variation 997215 (VCV000997215.1), dbSNP rs2092596212, ClinGen allele CA394387595.
Genomic context (GRCh38, chr16:2,114,495, plus strand): 5'-CCAGGCCAGCGAGCCGTGGCCGTGGCGTTGGCACCAGAGTCCACCTGGAGCACCAAGGCT[G>C]AGCCGTTGGTGGGCACGTAGAGGCGGCCGTCGCGGGGGGCAGGGTAGATGACCCGCAGCC-3'